The following is an entry in ClinVar:

ClinVar aggregate classification (germline): Uncertain significance. Review status: criteria provided, multiple submitters, no conflicts (2 of 4 stars). 3 submissions from 3 submitters: Uncertain significance (3). Last evaluated 2026-05-01.

Conditions:
Glycogen storage disease, type V (GSD5). Also called: McArdle type glycogen storage disease; MCARDLE DISEASE; MUSCLE GLYCOGEN PHOSPHORYLASE DEFICIENCY; MYOPHOSPHORYLASE DEFICIENCY; PYGM DEFICIENCY. Identifiers: Orphanet 368, MedGen C0017924, MONDO:0009293, OMIM 232600.

Allele frequency attached by ClinVar (database versions not stated): gnomAD exomes below 0.00001; gnomAD 0.00001; TOPMed 0.00001; ESP Exome Variant Server 0.00008.
gnomAD v4.1: 9 of 1,614,002 alleles (0.00056%); highest among the groups gnomAD compares: African/African-American, 0.0067%; no homozygotes.

Submissions (3):

CeGaT Center for Human Genetics Tuebingen
Classification: Uncertain significance. Last evaluated: 2026-05-01. Review status: criteria provided, single submitter. Criteria: CeGaT Center For Human Genetics Tuebingen Variant Classification Criteria Version 2. Collection method: clinical testing. Allele origin: germline. Affected: yes. Observed: 1 variant allele.
Comment: PYGM: PM2

Fulgent Genetics
Classification: Uncertain significance for Glycogen storage disease, type V. Last evaluated: 2024-05-07. Review status: criteria provided, single submitter. Criteria: ACMG Guidelines, 2015. Collection method: clinical testing. Allele origin: germline.

Labcorp Genetics (formerly Invitae), Labcorp
Classification: Uncertain significance for Glycogen storage disease, type V. Last evaluated: 2022-02-28. Review status: criteria provided, single submitter. Criteria: Invitae Variant Classification Sherloc (09022015). Collection method: clinical testing. Allele origin: germline.
Comment: This sequence change replaces arginine, which is basic and polar, with histidine, which is basic and polar, at codon 235 of the PYGM protein (p.Arg235His). This variant is not present in population databases (gnomAD no frequency). This variant has not been reported in the literature in individuals affected with PYGM-related conditions. Algorithms developed to predict the effect of missense changes on protein structure and function are either unavailable or do not agree on the potential impact of this missense change (SIFT: "Not Available"; PolyPhen-2: "Probably Damaging"; Align-GVGD: "Not Available"). In summary, the available evidence is currently insufficient to determine the role of this variant in disease. Therefore, it has been classified as a Variant of Uncertain Significance.

NM_005609.4(PYGM):c.704G>A (p.Arg235His)

Gene: PYGM (glycogen phosphorylase, muscle associated; minus strand). Cytogenetic location: 11q13.1.
Variant type: single nucleotide variant.
Coding change: c.704G>A on transcript NM_005609.4 (MANE Select); coding-DNA position 704, G replaced by A.
Protein change: p.Arg235His; replaces arginine 235 with histidine.
Molecular consequence: missense variant.
Genome position (GRCh38, 1-based): chr11:64,755,515, C>T on the plus strand (G>A on the coding strand, the complement: PYGM is on the minus strand). VCF-style: chr11-64755515-C-T. GRCh37 (hg19) VCF-style: chr11-64522987-C-T.
Other names: c.440G>A, p.Arg147His (NM_001164716.1); short protein forms R147H, R235H.
Identifiers: ClinVar variation 1375421 (VCV001375421.8), dbSNP rs371247639, ClinGen allele CA223901684.